The following is an entry in ClinVar:

NM_018671.5(UNC45A):c.1339G>A (p.Ala447Thr)

Gene: UNC45A (unc-45 myosin chaperone A; plus strand). Cytogenetic location: 15q26.1.
Variant type: single nucleotide variant.
Coding change: c.1339G>A on transcript NM_018671.5 (MANE Select); coding-DNA position 1339, G replaced by A.
Protein change: p.Ala447Thr; replaces alanine 447 with threonine.
Molecular consequence: missense variant.
Genome position (GRCh38, 1-based): chr15:90,946,753, G>A. VCF-style: chr15-90946753-G-A. GRCh37 (hg19) VCF-style: chr15-91489983-G-A.
Other names: c.904G>A, p.Ala302Thr (NM_001323620.2); c.1294G>A, p.Ala432Thr (NM_001323621.2, NM_001039675.2); c.1339G>A, p.Ala447Thr (NM_001323619.1); short protein forms A302T, A432T, A447T.
Identifiers: ClinVar variation 2059571 (VCV002059571.3), dbSNP rs143151130, ClinGen allele CA7742873.

ClinVar aggregate classification (germline): Uncertain significance (1 of 4 stars; one submission).

Allele frequency attached by ClinVar (database versions not stated): gnomAD exomes 0.00001; ExAC 0.00006; ESP Exome Variant Server 0.00008; TOPMed 0.00011; gnomAD 0.00015; 1000 Genomes Project 30x 0.00016; 1000 Genomes Project 0.00020.
gnomAD v4.1: 47 of 1,614,076 alleles (0.0029%); highest among the groups gnomAD compares: African/African-American, 0.052%; no homozygotes.

Submission:

Labcorp Genetics (formerly Invitae), Labcorp
Classification: Uncertain significance. Last evaluated: 2024-10-26. Review status: criteria provided, single submitter. Criteria: Invitae Variant Classification Sherloc (09022015). Collection method: clinical testing. Allele origin: germline.
Comment: This sequence change replaces alanine, which is neutral and non-polar, with threonine, which is neutral and polar, at codon 447 of the UNC45A protein (p.Ala447Thr). This variant is present in population databases (rs143151130, gnomAD 0.06%). This variant has not been reported in the literature in individuals affected with UNC45A-related conditions. ClinVar contains an entry for this variant (Variation ID: 2059571). Invitae Evidence Modeling of protein sequence and biophysical properties (such as structural, functional, and spatial information, amino acid conservation, physicochemical variation, residue mobility, and thermodynamic stability) indicates that this missense variant is not expected to disrupt UNC45A protein function with a negative predictive value of 80%. In summary, the available evidence is currently insufficient to determine the role of this variant in disease. Therefore, it has been classified as a Variant of Uncertain Significance.